The following is an entry in ClinVar:

ClinVar aggregate classification (germline): Uncertain significance (1 of 4 stars; one submission).

Conditions:
Hereditary cancer-predisposing syndrome. Also called: Neoplastic Syndromes, Hereditary; Tumor predisposition; Hereditary Cancer Syndrome; Hereditary neoplastic syndrome. Identifiers: Orphanet 140162, MedGen C0027672, MeSH D009386, MONDO:0015356.

Submission:

Ambry Genetics
Classification: Uncertain significance for Hereditary cancer-predisposing syndrome. Last evaluated: 2026-03-15. Review status: criteria provided, single submitter. Criteria: Ambry Variant Classification Scheme 2023. Collection method: clinical testing. Allele origin: germline.
Comment: The p.I892K variant (also known as c.2675T>A), located in coding exon 13 of the BLM gene, results from a T to A substitution at nucleotide position 2675. The isoleucine at codon 892 is replaced by lysine, an amino acid with dissimilar properties. This amino acid position is conserved. In addition, this alteration is predicted to be deleterious by in silico analysis. Based on the available evidence, the clinical significance of this variant remains unclear.

NM_000057.4(BLM):c.2675T>A (p.Ile892Lys)

Gene: BLM (BLM RecQ like helicase; plus strand). Cytogenetic location: 15q26.1.
Variant type: single nucleotide variant.
Coding change: c.2675T>A on transcript NM_000057.4 (MANE Select); coding-DNA position 2675, T replaced by A.
Protein change: p.Ile892Lys; replaces isoleucine 892 with lysine.
Molecular consequence: missense variant.
Genome position (GRCh38, 1-based): chr15:90,784,933, T>A. VCF-style: chr15-90784933-T-A. GRCh37 (hg19) VCF-style: chr15-91328163-T-A.
Other names: c.2675T>A, p.Ile892Lys (NM_001287246.2, NM_001287247.2); c.1550T>A, p.Ile517Lys (NM_001287248.2); short protein forms I517K, I892K.
Identifiers: ClinVar variation 4867468 (VCV004867468.1).